The following is an entry in ClinVar:

ClinVar aggregate classification (germline): Uncertain significance (1 of 4 stars; one submission).

Allele frequency attached by ClinVar (database versions not stated): TOPMed below 0.00001; gnomAD 0.00001.
gnomAD v4.1: 1 of 1,613,788 alleles (0.000062%); highest among the groups gnomAD compares: African/African-American, 0.0013%; no homozygotes.

Submission:

Women's Health and Genetics/Laboratory Corporation of America, LabCorp
Classification: Uncertain significance. Last evaluated: 2024-02-20. Review status: criteria provided, single submitter. Criteria: LabCorp Variant Classification Summary - May 2015. Collection method: clinical testing. Allele origin: germline.
Comment: Variant summary: DPYD c.1472A>T (p.Glu491Val) results in a non-conservative amino acid change located in the FAD/NAD(P)-binding domain (IPR023753) of the encoded protein sequence. Five of five in-silico tools predict a damaging effect of the variant on protein function. The variant was absent in 251052 control chromosomes (gnomAD). The available data on variant occurrences in the general population are insufficient to allow any conclusion about variant significance. To our knowledge, no occurrence of c.1472A>T in individuals affected with Dihydropyrimidine Dehydrogenase Deficiency and no experimental evidence demonstrating its impact on protein function have been reported. No submitters have cited clinical-significance assessments for this variant to ClinVar. Based on the evidence outlined above, the variant was classified as uncertain significance.

NM_000110.4(DPYD):c.1472A>T (p.Glu491Val)

Gene: DPYD (dihydropyrimidine dehydrogenase; minus strand). Cytogenetic location: 1p21.3.
Variant type: single nucleotide variant.
Coding change: c.1472A>T on transcript NM_000110.4 (MANE Select); coding-DNA position 1472, A replaced by T.
Protein change: p.Glu491Val; replaces glutamic acid 491 with valine.
Molecular consequence: missense variant.
Genome position (GRCh38, 1-based): chr1:97,549,612, T>A on the plus strand (A>T on the coding strand, the complement: DPYD is on the minus strand). VCF-style: chr1-97549612-T-A. GRCh37 (hg19) VCF-style: chr1-98015168-T-A.
Other names: short protein forms E491V.
Identifiers: ClinVar variation 3069130 (VCV003069130.2), dbSNP rs1264198400, ClinGen allele CA341377544.